The following is an entry in ClinVar:

NM_001710.6(CFB):c.2129G>A (p.Arg710His)

Gene: CFB (complement factor B; plus strand). Cytogenetic location: 6p21.33.
Variant type: single nucleotide variant.
Coding change: c.2129G>A on transcript NM_001710.6 (MANE Select); coding-DNA position 2129, G replaced by A.
Protein change: p.Arg710His; replaces arginine 710 with histidine.
Molecular consequence: missense variant.
Genome position (GRCh38, 1-based): chr6:31,951,594, G>A. VCF-style: chr6-31951594-G-A. GRCh37 (hg19) VCF-style: chr6-31919371-G-A.
Other names: short protein forms R710H.
Identifiers: ClinVar variation 2906023 (VCV002906023.3), dbSNP rs758029612, ClinGen allele CA3728551.
Genomic context (GRCh38, chr6:31,951,594, plus strand): 5'-CAGCTTCTCCTCTCCTTGCAGGTGATTCTGGCGGCCCCTTGATAGTTCACAAGAGAAGTC[G>A]TTTCATTCAAGTGAGTCCTCCCTTTCCTATCTGGGGAGATGCCAAGTGGTCAGCATGGGC-3'
Protein context (NP_001701.2, residues 700-720): GGPLIVHKRS[Arg710His]FIQVGVISWG

ClinVar aggregate classification (germline): Uncertain significance (1 of 4 stars; one submission).

Allele frequency attached by ClinVar (database versions not stated): TOPMed 0.00002; gnomAD exomes 0.00002; gnomAD 0.00003; ExAC 0.00004.
gnomAD v4.1: 28 of 1,614,028 alleles (0.0017%); highest among the groups gnomAD compares: Non-Finnish European, 0.002%; no homozygotes.

Submission:

Labcorp Genetics (formerly Invitae), Labcorp
Classification: Uncertain significance. Last evaluated: 2025-08-10. Review status: criteria provided, single submitter. Criteria: Invitae Variant Classification Sherloc (09022015). Collection method: clinical testing. Allele origin: germline.
Comment: This sequence change replaces arginine, which is basic and polar, with histidine, which is basic and polar, at codon 710 of the CFB protein (p.Arg710His). This variant is present in population databases (rs758029612, gnomAD 0.005%). This variant has not been reported in the literature in individuals affected with CFB-related conditions. ClinVar contains an entry for this variant (Variation ID: 2906023). Invitae Evidence Modeling of protein sequence and biophysical properties (such as structural, functional, and spatial information, amino acid conservation, physicochemical variation, residue mobility, and thermodynamic stability) indicates that this missense variant is expected to disrupt CFB protein function with a positive predictive value of 80%. In summary, the available evidence is currently insufficient to determine the role of this variant in disease. Therefore, it has been classified as a Variant of Uncertain Significance.